The following is an entry in ClinVar:

NM_017780.4(CHD7):c.5968C>T (p.Gln1990Ter)

Gene: CHD7 (chromodomain helicase DNA binding protein 7; plus strand). Cytogenetic location: 8q12.2.
Variant type: single nucleotide variant.
Coding change: c.5968C>T on transcript NM_017780.4 (MANE Select); coding-DNA position 5968, C replaced by T.
Protein change: p.Gln1990Ter; replaces glutamine 1990 with a stop codon.
Molecular consequence: nonsense. On other transcripts: intron variant (1).
Genome position (GRCh38, 1-based): chr8:60,852,571, C>T. VCF-style: chr8-60852571-C-T. GRCh37 (hg19) VCF-style: chr8-61765130-C-T.
Other names: c.1717-9658C>T (NM_001316690.1); c.5968C>T (LRG_176t1); short protein forms Q1990*.
Identifiers: ClinVar variation 488680 (VCV000488680.6), dbSNP rs1554603970, ClinGen allele CA371323818.

ClinVar aggregate classification (germline): Pathogenic. Review status: criteria provided, multiple submitters, no conflicts (2 of 4 stars). 4 submissions from 4 submitters: Pathogenic (4). Last evaluated 2023-11-10.

Conditions:
Hypogonadotropic hypogonadism 5 with or without anosmia (KAL5). Also called: CHD7-Related GnRH Deficiency (Kallmann Syndrome 5); HYPOGONADOTROPIC HYPOGONADISM 5 WITH ANOSMIA; HYPOGONADOTROPHIC HYPOGONADISM 5 WITHOUT ANOSMIA. Identifiers: Orphanet 478, MedGen C3552553, MONDO:0012880, OMIM 612370. Disease mechanism: loss of function.
CHARGE syndrome (CHARGE). Also called: Hittner Hirsch Kreh syndrome; CHARGE ASSOCIATION--COLOBOMA, HEART ANOMALY, CHOANAL ATRESIA, RETARDATION, GENITAL AND EAR ANOMALIES; Coloboma, heart anomaly, choanal atresia, retardation, genital and ear anomalies; CHARGE association; Hall-Hittner syndrome. Identifiers: Orphanet 138, MedGen C0265354, MONDO:0008965.

Submissions (4):

Daryl Scott Lab, Baylor College of Medicine
Classification: Pathogenic for CHD7-related CHARGE syndrome. Last evaluated: 2023-11-10. Review status: criteria provided, single submitter. Criteria: ACMG Guidelines, 2015. Collection method: clinical testing. Allele origin: unknown. Affected: yes.

Baylor Genetics
Classification: Pathogenic for Hypogonadotropic hypogonadism 5 with or without anosmia. Last evaluated: 2019-12-13. Review status: criteria provided, single submitter. Criteria: ACMG Guidelines, 2015. Collection method: clinical testing. Allele origin: unknown. Affected: yes.
Comment: This variant was determined to be pathogenic according to ACMG Guidelines, 2015 [PMID:25741868].

GeneDx
Classification: Pathogenic. Last evaluated: 2019-08-12. Review status: criteria provided, single submitter. Criteria: GeneDx Variant Classification Process June 2021. Collection method: clinical testing. Allele origin: germline. Affected: yes.
Comment: Nonsense variant predicted to result in protein truncation or nonsense mediated decay in a gene for which loss-of-function is a known mechanism of disease; Not observed in large population cohorts (Lek et al., 2016); This variant is associated with the following publications: (PMID: 22461308)

Clinical Genetics and Genomics, Karolinska University Hospital
Classification: Pathogenic. Last evaluated: 2016-08-23. Review status: criteria provided, single submitter. Criteria: ACMG Guidelines, 2015. Collection method: clinical testing. Allele origin: germline. Affected: yes. Observed: 1 variant allele.